The following is an entry in ClinVar:

NM_001286.5(CLCN6):c.911G>A (p.Gly304Asp)

Gene: CLCN6 (Cl-/H+ antiporter 6; plus strand). Cytogenetic location: 1p36.22.
Variant type: single nucleotide variant.
Coding change: c.911G>A on transcript NM_001286.5 (MANE Select); coding-DNA position 911, G replaced by A.
Protein change: p.Gly304Asp; replaces glycine 304 with aspartic acid.
Molecular consequence: missense variant. On other transcripts: non-coding transcript variant (1).
Genome position (GRCh38, 1-based): chr1:11,828,176, G>A. VCF-style: chr1-11828176-G-A. GRCh37 (hg19) VCF-style: chr1-11888233-G-A.
Other names: c.911G>A (NM_001286.2); c.845G>A, p.Gly282Asp (NM_001256959.2); short protein forms G282D, G304D.
Identifiers: ClinVar variation 2123818 (VCV002123818.5), dbSNP rs2523126495, ClinGen allele CA338429776.
Genomic context (GRCh38, chr1:11,828,176, plus strand): 5'-CCATGTCTGCCACCTTCACCCTCAACTTCTTCCGTTCTGGGATTCAGTTTGGAAGCTGGG[G>A]TTCCTTCCAGCTCCCTGGATTGCTGAACTTTGGCGAGTTTAAGGTATGTTTTGTCCTTTC-3'
Protein context (NP_001277.2, residues 294-314): FRSGIQFGSW[Gly304Asp]SFQLPGLLNF

ClinVar aggregate classification (germline): Uncertain significance. Review status: criteria provided, multiple submitters, no conflicts (2 of 4 stars). 2 submissions from 2 submitters: Uncertain significance (2). Last evaluated 2026-06-03.

Submissions (2):

Ambry Genetics
Classification: Uncertain significance. Last evaluated: 2026-06-03. Review status: criteria provided, single submitter. Criteria: Ambry Variant Classification Scheme 2023. Collection method: clinical testing. Allele origin: germline.

Labcorp Genetics (formerly Invitae), Labcorp
Classification: Uncertain significance. Last evaluated: 2023-09-03. Review status: criteria provided, single submitter. Criteria: Invitae Variant Classification Sherloc (09022015). Collection method: clinical testing. Allele origin: germline.
Comment: This variant has not been reported in the literature in individuals affected with CLCN6-related conditions. ClinVar contains an entry for this variant (Variation ID: 2123818). An algorithm developed to predict the effect of missense changes on protein structure and function (PolyPhen-2) suggests that this variant is likely to be disruptive. In summary, the available evidence is currently insufficient to determine the role of this variant in disease. Therefore, it has been classified as a Variant of Uncertain Significance. This sequence change replaces glycine, which is neutral and non-polar, with aspartic acid, which is acidic and polar, at codon 304 of the CLCN6 protein (p.Gly304Asp). This variant is not present in population databases (gnomAD no frequency).